The following is an entry in ClinVar:

NM_000169.3(GLA):c.272T>C (p.Ile91Thr)

Genes: GLA (galactosidase alpha; minus strand), RPL36A-HNRNPH2 (RPL36A-HNRNPH2 readthrough; plus strand). Cytogenetic location: Xq22.1.
Variant type: single nucleotide variant.
Coding change: c.272T>C on transcript NM_000169.3 (MANE Select); coding-DNA position 272, T replaced by C.
Protein change: p.Ile91Thr; replaces isoleucine 91 with threonine.
Molecular consequence: missense variant. On other transcripts: non-coding transcript variant (3), intron variant (2).
Genome position (GRCh38, 1-based): chrX:101,403,908, A>G on the plus strand (T>C on the coding strand, the complement: GLA is on the minus strand). VCF-style: chrX-101403908-A-G. GRCh37 (hg19) VCF-style: chrX-100658896-A-G.
Other names: c.395T>C, p.Ile132Thr (NM_001406747.1, NM_001406749.1); c.272T>C, p.Ile91Thr (NM_001406748.1); c.301-8028A>G (NM_001199973.2); c.178-8028A>G (NM_001199974.2); short protein forms I91T, I132T.
Identifiers: ClinVar variation 222204 (VCV000222204.26), dbSNP rs869312141, ClinGen allele CA352928.

ClinVar aggregate classification (germline): Pathogenic. Review status: criteria provided, multiple submitters, no conflicts (2 of 4 stars). 8 submissions from 8 submitters: Pathogenic (8). Last evaluated 2026-09-08.

Conditions:
GLA-related disorder. Also called: GLA-related condition.
Fabry disease. Also called: Fabry's disease; Angiokeratoma corporis diffusum; ALPHA-GALACTOSIDASE A DEFICIENCY; ANDERSON-FABRY DISEASE; CERAMIDE TRIHEXOSIDASE DEFICIENCY; GLA DEFICIENCY. Identifiers: Orphanet 324, MedGen C0002986, MONDO:0010526, OMIM 301500, HP:0001071. Disease mechanism: loss of function, Fabry disease is due to inactivating mutations in the X-linked GLA gene resulting in deficiency of the enzyme Alpha Galactosidase-A..

Submissions (8):

Genomenon, Inc
Classification: Pathogenic for Fabry disease. Last evaluated: 2026-09-08. Review status: criteria provided, single submitter. Criteria: Genomenon Sequence Variant Interpretation Standards - Updated. Collection method: curation. Allele origin: germline. Affected: yes.
Comment: GLA p.Ile91Thr (c.272T>C) is a missense variant that changes the amino acid at codon 91 from Isoleucine to Threonine. This variant has been observed in at least one proband with clinical features consistent with Fabry disease (PMID:30099469;39595144;36165155;27560961;39343861). The variant was found to segregate with disease in at least one affected family (PMID:30099469). At least one functional study has demonstrated a substantial alteration in protein function relative to the wild-type (PMID:32023956;21598360;26415523;27657681). This variant is located in a mutational hotspot and/or important functional domain. It is absent or not present at a significant frequency in gnomAD. In silico models predict that this variant is possibly or probably damaging. In conclusion, we classify GLA p.Ile91Thr (c.272T>C) as a pathogenic variant.

PreventionGenetics, part of Exact Sciences
Classification: Pathogenic for GLA-related condition. Last evaluated: 2026-01-26. Review status: criteria provided, single submitter. Criteria: ACMG Guidelines, 2015. Collection method: clinical testing. Allele origin: germline.
Comment: The GLA c.272T>C variant is predicted to result in the amino acid substitution p.Ile91Thr. This variant was reported in multiple individuals with Fabry disease (Eng et al. 1997. PubMed ID: 9100224; Ishii et al. 2007. PubMed ID: 17555407; Park et al. 2009. PubMed ID: 19287194; Wu et al. 2011. PubMed ID: 21598360; Lukas et al. 2013. PubMed ID: 23935525; Duro et al. 2018. PubMed ID: 30477121; Pan et al. 2016. PubMed ID: 27560961; Goicoechea et al. 2021. PubMed ID: 33714629). In vitro functional studies show that this variant results in absent or severely reduced alpha-galactosidase A enzymatic activity (Figure 1, Park et al. 2009. PubMed ID: 19287194; Table 1, Wu et al. 2011. PubMed ID: 21598360). This variant has not been reported in a large population database gnomeAD, indicating this variant is rare. This variant is interpreted as pathogenic.

Genetics Laboratory, Great Ormond Street Hospital NHS Foundation Trust, North Thames Genomic Laboratory Hub
Classification: Pathogenic for Fabry disease. Last evaluated: 2025-11-10. Review status: criteria provided, single submitter. Criteria: ACGS Best Practice Guidelines for Variant Classification in Rare Disease 2024 v1.2. Collection method: clinical testing. Allele origin: germline. Affected: yes.
Comment: PS4_moderate, PM2_moderate, PP3_supporting, PP1_strong, PP4_moderate

Labcorp Genetics (formerly Invitae), Labcorp
Classification: Pathogenic for Fabry disease. Last evaluated: 2022-07-13. Review status: criteria provided, single submitter. Criteria: Invitae Variant Classification Sherloc (09022015). Collection method: clinical testing. Allele origin: germline.
Comment: For these reasons, this variant has been classified as Pathogenic. Experimental studies have shown that this missense change affects GLA function (PMID: 17555407, 21598360, 26415523). Algorithms developed to predict the effect of missense changes on protein structure and function (SIFT, PolyPhen-2, Align-GVGD) all suggest that this variant is likely to be disruptive. ClinVar contains an entry for this variant (Variation ID: 222204). This missense change has been observed in individuals with Fabry disease (PMID: 9100224, 19287194, 23935525, 27560961). This variant is not present in population databases (gnomAD no frequency). This sequence change replaces isoleucine, which is neutral and non-polar, with threonine, which is neutral and polar, at codon 91 of the GLA protein (p.Ile91Thr).

Revvity Omics, Revvity
Classification: Pathogenic. Last evaluated: 2022-05-19. Review status: criteria provided, single submitter. Criteria: ACMG Guidelines, 2015. Collection method: clinical testing. Allele origin: germline.

GeneDx
Classification: Pathogenic. Last evaluated: 2022-05-17. Review status: criteria provided, single submitter. Criteria: GeneDx Variant Classification Process June 2021. Collection method: clinical testing. Allele origin: germline. Affected: yes.
Comment: Published functional studies demonstrate a significantly reduced enzyme activity compared to wildtype activity (Ishii et al., 2007; Park et al., 2009; Wu et al., 2011; Lukas et al., 2013); Not observed at significant frequency in large population cohorts (gnomAD); In silico analysis supports that this missense variant has a deleterious effect on protein structure/function; This variant is associated with the following publications: (PMID: 25655062, 27356758, 27560961, 28723748, 29853467, 25382311, 34679477, 27916943, 33714629, 34922431, 9100224, 17555407, 21598360, 23935525, 26415523, Cai2012, Monte2022, Carnicer-Caceres2022, 32023956, 33915609, 19387866, 33922740, 17894781, 20505683, 23430946, 30477121, 30099469, 19287194)

Genome-Nilou Lab
Classification: Pathogenic for Fabry disease. Last evaluated: 2021-07-15. Review status: criteria provided, single submitter. Criteria: ACMG Guidelines, 2015. Collection method: clinical testing. Allele origin: germline. Affected: no.

Eurofins Ntd Llc (ga)
Classification: Pathogenic. Last evaluated: 2018-04-05. Review status: criteria provided, single submitter. Criteria: EGL ClinVar v180209 classification definitions. Collection method: clinical testing. Allele origin: germline. Observed: 4 variant alleles, 4 heterozygotes.

Literature cited by the submitters: PubMed 30099469 (cited by Genomenon, Inc); PubMed 39595144 (cited by Genomenon, Inc); PubMed 36165155 (cited by Genomenon, Inc); PubMed 27560961 (cited by Genomenon, Inc and Labcorp Genetics (formerly Invitae), Labcorp); PubMed 39343861 (cited by Genomenon, Inc); PubMed 32023956 (cited by Genomenon, Inc); PubMed 21598360 (cited by 3 submitters); PubMed 26415523 (cited by 3 submitters); PubMed 27657681 (cited by Genomenon, Inc); PubMed 17555407 (cited by Labcorp Genetics (formerly Invitae), Labcorp and Eurofins Ntd Llc (ga)); PubMed 9100224 (cited by Labcorp Genetics (formerly Invitae), Labcorp and Eurofins Ntd Llc (ga)); PubMed 19287194 (cited by Labcorp Genetics (formerly Invitae), Labcorp and Eurofins Ntd Llc (ga)); PubMed 23935525 (cited by Labcorp Genetics (formerly Invitae), Labcorp and Eurofins Ntd Llc (ga)).